The following is an entry in ClinVar:

NM_001271.4(CHD2):c.4580A>G (p.Lys1527Arg)

Gene: CHD2 (chromodomain helicase DNA binding protein 2; plus strand). Cytogenetic location: 15q26.1.
Variant type: single nucleotide variant.
Coding change: c.4580A>G on transcript NM_001271.4 (MANE Select); coding-DNA position 4580, A replaced by G.
Protein change: p.Lys1527Arg; replaces lysine 1527 with arginine.
Molecular consequence: missense variant.
Genome position (GRCh38, 1-based): chr15:93,009,311, A>G. VCF-style: chr15-93009311-A-G. GRCh37 (hg19) VCF-style: chr15-93552541-A-G.
Other names: short protein forms K1527R.
Identifiers: ClinVar variation 1023060 (VCV001023060.9), dbSNP rs771195215, ClinGen allele CA7748500.
Genomic context (GRCh38, chr15:93,009,311, plus strand): 5'-TGAAAATCGGAGACCGGATAGCCGAGTGCCTTAAAGCCTACTCAGATCAGGAGCACATCA[A>G]ACTCTGGAGGAGGTAACCACTTTGGCCTCGTCTGCCCAGTTTGATTTGACTGAGTGTGGG-3'
Protein context (NP_001262.3, residues 1517-1537): LKAYSDQEHI[Lys1527Arg]LWRRNLWIFV

ClinVar aggregate classification (germline): Uncertain significance (1 of 4 stars; one submission).

Conditions:
Developmental and epileptic encephalopathy 94 (DEE94). Also called: CHD2-Related Neurodevelopmental Disorders; Epileptic encephalopathy, childhood-onset. Identifiers: Orphanet 1942, Orphanet 2382, MedGen C3809278, MONDO:0014150, OMIM 615369.

Allele frequency attached by ClinVar (database versions not stated): ExAC 0.00001; gnomAD exomes 0.00001; gnomAD 0.00002; TOPMed 0.00002.
gnomAD v4.1: 6 of 1,613,988 alleles (0.00037%); highest among the groups gnomAD compares: African/African-American, 0.004%; no homozygotes.

Submission:

Labcorp Genetics (formerly Invitae), Labcorp
Classification: Uncertain significance for Developmental and epileptic encephalopathy 94. Last evaluated: 2025-12-15. Review status: criteria provided, single submitter. Criteria: Invitae Variant Classification Sherloc (09022015). Collection method: clinical testing. Allele origin: germline.
Comment: This sequence change replaces lysine, which is basic and polar, with arginine, which is basic and polar, at codon 1527 of the CHD2 protein (p.Lys1527Arg). This variant is present in population databases (rs771195215, gnomAD 0.004%). This variant has not been reported in the literature in individuals affected with CHD2-related conditions. ClinVar contains an entry for this variant (Variation ID: 1023060). Invitae Evidence Modeling of protein sequence and biophysical properties (such as structural, functional, and spatial information, amino acid conservation, physicochemical variation, residue mobility, and thermodynamic stability) indicates that this missense variant is not expected to disrupt CHD2 protein function with a negative predictive value of 95%. In summary, the available evidence is currently insufficient to determine the role of this variant in disease. Therefore, it has been classified as a Variant of Uncertain Significance.